The following is an entry in ClinVar:

NM_015141.4(GPD1L):c.577G>A (p.Val193Ile)

Gene: GPD1L (glycerol-3-phosphate dehydrogenase 1 like; plus strand). Cytogenetic location: 3p22.3.
Variant type: single nucleotide variant.
Coding change: c.577G>A on transcript NM_015141.4 (MANE Select); coding-DNA position 577, G replaced by A.
Protein change: p.Val193Ile; replaces valine 193 with isoleucine.
Molecular consequence: missense variant.
Genome position (GRCh38, 1-based): chr3:32,146,693, G>A. VCF-style: chr3-32146693-G-A. GRCh37 (hg19) VCF-style: chr3-32188185-G-A.
Other names: short protein forms V193I.
Identifiers: ClinVar variation 1442669 (VCV001442669.5), dbSNP rs1237495167, ClinGen allele CA351967560.

ClinVar aggregate classification (germline): Uncertain significance (1 of 4 stars; one submission).

Conditions:
Brugada syndrome. Also called: Sudden unexplained nocturnal death syndrome; Sudden Unexplained Death Syndrome; Sudden Unexplained Nocturnal Death Syndrome (SUNDS); Sudden unexpected nocturnal death syndrome. Identifiers: Orphanet 130, MedGen C1142166, MONDO:0015263.

Allele frequency attached by ClinVar (database versions not stated): TOPMed below 0.00001; gnomAD 0.00001; gnomAD exomes 0.00001.
gnomAD v4.1: 14 of 1,613,166 alleles (0.00087%); highest among the groups gnomAD compares: Admixed American, 0.0017%; no homozygotes.

Submission:

Labcorp Genetics (formerly Invitae), Labcorp
Classification: Uncertain significance for Brugada syndrome. Last evaluated: 2022-04-04. Review status: criteria provided, single submitter. Criteria: Invitae Variant Classification Sherloc (09022015). Collection method: clinical testing. Allele origin: germline.
Comment: This sequence change replaces valine, which is neutral and non-polar, with isoleucine, which is neutral and non-polar, at codon 193 of the GPD1L protein (p.Val193Ile). This variant is present in population databases (no rsID available, gnomAD 0.004%). This variant has not been reported in the literature in individuals affected with GPD1L-related conditions. Algorithms developed to predict the effect of missense changes on protein structure and function (SIFT, PolyPhen-2, Align-GVGD) all suggest that this variant is likely to be tolerated. In summary, the available evidence is currently insufficient to determine the role of this variant in disease. Therefore, it has been classified as a Variant of Uncertain Significance.